The following is an entry in ClinVar:

NM_194248.3(OTOF):c.153_159dup (p.Ser54fs)

Gene: OTOF (otoferlin; minus strand). Cytogenetic location: 2p23.3.
Variant type: Microsatellite.
Coding change: c.153_159dup on transcript NM_194248.3 (MANE Select); coding-DNA positions 153 to 159, 7 bases duplicated (GGTGGCC; older notation c.153_159dupGGTGGCC).
Protein change: p.Ser54fs; shifts the reading frame from serine 54.
Molecular consequence: frameshift variant.
Genome position (GRCh38, 1-based): chr2:26,527,900-26,527,906, GGCCACC duplicated on the plus strand (GGTGGCC on the coding strand, the reverse complement: OTOF is on the minus strand); duplicating any 7 consecutive bases within chr2:26,527,900-26,527,914 gives the same sequence; the c. name uses the placement nearest the transcript's 3' end. VCF-style (leftmost placement, unchanged base first): chr2-26527899-T-TGGCCACC. GRCh37 (hg19) VCF-style: chr2-26750767-T-TGGCCACC.
Other names: c.153_159dup, p.Ser54fs (NM_001287489.2); short protein forms S54fs.
Identifiers: ClinVar variation 1404884 (VCV001404884.6), dbSNP rs759366568, ClinGen allele CA1564780.
Genomic context (GRCh38, chr2:26,527,899, plus strand): 5'-TGAAGACTTTGCTGTAGTTGAAAACCTGAATCTCCAGCATCTCATTTCTGTCGATGCTGC[T>TGGCCACC]GGCCACCGGCCACCGAAATGTCTGGGGAGAGAGGGACAACTGCGGCTTCGGTGGCAATAA-3'

ClinVar aggregate classification (germline): Pathogenic (1 of 4 stars; one submission).

Submission:

Labcorp Genetics (formerly Invitae), Labcorp
Classification: Pathogenic. Last evaluated: 2023-03-19. Review status: criteria provided, single submitter. Criteria: Invitae Variant Classification Sherloc (09022015). Collection method: clinical testing. Allele origin: germline.
Comment: For these reasons, this variant has been classified as Pathogenic. This variant has not been reported in the literature in individuals affected with OTOF-related conditions. This variant is present in population databases (rs759366568, gnomAD 0.02%). This sequence change creates a premature translational stop signal (p.Ser54Glyfs*9) in the OTOF gene. It is expected to result in an absent or disrupted protein product. Loss-of-function variants in OTOF are known to be pathogenic (PMID: 18381613, 19250381, 22575033).

Literature cited by the submitters: PubMed 18381613; PubMed 19250381; PubMed 22575033.